The following is an entry in ClinVar:

NM_024675.4(PALB2):c.2111T>C (p.Leu704Pro)

Gene: PALB2 (partner and localizer of BRCA2; minus strand). Cytogenetic location: 16p12.2.
Variant type: single nucleotide variant.
Coding change: c.2111T>C on transcript NM_024675.4 (MANE Select); coding-DNA position 2111, T replaced by C.
Protein change: p.Leu704Pro; replaces leucine 704 with proline.
Molecular consequence: missense variant. On other transcripts: intron variant (1).
Genome position (GRCh38, 1-based): chr16:23,630,043, A>G on the plus strand (T>C on the coding strand, the complement: PALB2 is on the minus strand). VCF-style: chr16-23630043-A-G. GRCh37 (hg19) VCF-style: chr16-23641364-A-G.
Other names: c.2051T>C, p.Leu684Pro (NM_001407296.1); c.2111T>C, p.Leu704Pro (NM_001407297.1, NM_001407298.1, NM_001407299.1 and 3 more transcripts); c.1226T>C, p.Leu409Pro (NM_001407304.1, NM_001407305.1, NM_001407306.1 and 5 more transcripts); c.323T>C, p.Leu108Pro (NM_001407312.1, NM_001407313.1); c.49-768T>C (NM_001407314.1); short protein forms L409P, L684P, L704P, L108P.
Identifiers: ClinVar variation 3927455 (VCV003927455.1).

ClinVar aggregate classification (germline): Uncertain significance (1 of 4 stars; one submission).

Conditions:
Hereditary cancer-predisposing syndrome. Also called: Hereditary Cancer Syndrome; Hereditary neoplastic syndrome; Neoplastic Syndromes, Hereditary; Tumor predisposition. Identifiers: Orphanet 140162, MedGen C0027672, MeSH D009386, MONDO:0015356.

Submission:

Ambry Genetics
Classification: Uncertain significance for Hereditary cancer-predisposing syndrome. Last evaluated: 2025-05-31. Review status: criteria provided, single submitter. Criteria: Ambry Variant Classification Scheme 2023. Collection method: clinical testing. Allele origin: germline.
Comment: The p.L704P variant (also known as c.2111T>C), located in coding exon 5 of the PALB2 gene, results from a T to C substitution at nucleotide position 2111. The leucine at codon 704 is replaced by proline, an amino acid with similar properties. This amino acid position is conserved. In addition, the in silico prediction for this alteration is inconclusive. Based on the available evidence, the clinical significance of this variant remains unclear.